The following is an entry in ClinVar:

NM_000093.5(COL5A1):c.2332-20C>T

Gene: COL5A1 (collagen type V alpha 1 chain; plus strand). Cytogenetic location: 9q34.3.
Variant type: single nucleotide variant.
Coding change: c.2332-20C>T on transcript NM_000093.5 (MANE Select); 20 bases into the intron before coding-DNA position 2332, C replaced by T.
Molecular consequence: intron variant.
Genome position (GRCh38, 1-based): chr9:134,774,839, C>T. VCF-style: chr9-134774839-C-T. GRCh37 (hg19) VCF-style: chr9-137666685-C-T.
Other names: c.2332-20C>T (NM_001278074.1).
Identifiers: ClinVar variation 681656 (VCV000681656.6), dbSNP rs1588534559, ClinGen allele CA915947244.

ClinVar aggregate classification (germline): Likely benign. Review status: criteria provided, multiple submitters, no conflicts (2 of 4 stars). 2 submissions from 2 submitters: Likely benign (2). Last evaluated 2022-09-27.

Conditions:
Ehlers-Danlos syndrome, classic type, 1 (EDSCL1). Also called: EDS I; EHLERS-DANLOS SYNDROME, GRAVIS TYPE; EHLERS-DANLOS SYNDROME, SEVERE CLASSIC TYPE; Ehlers-Danlos Syndrome, Classic Type, COL5A1-Related; Ehlers-Danlos syndrome, type 1. Identifiers: MedGen C0268335, MONDO:0019567, OMIM 130000.

Allele frequency attached by ClinVar (database versions not stated): gnomAD exomes below 0.00001.
gnomAD v4.1: 4 of 1,612,828 alleles (0.00025%); highest among the groups gnomAD compares: Non-Finnish European, 0.00034%; no homozygotes.

Submissions (2):

Labcorp Genetics (formerly Invitae), Labcorp
Classification: Likely benign for Ehlers-Danlos syndrome, classic type, 1. Last evaluated: 2022-09-27. Review status: criteria provided, single submitter. Criteria: Invitae Variant Classification Sherloc (09022015). Collection method: clinical testing. Allele origin: germline.

GeneDx
Classification: Likely benign. Last evaluated: 2018-04-06. Review status: criteria provided, single submitter. Criteria: GeneDx Variant Classification (06012015). Collection method: clinical testing. Allele origin: germline. Affected: yes.
Comment: This variant is considered likely benign or benign based on one or more of the following criteria: it is a conservative change, it occurs at a poorly conserved position in the protein, it is predicted to be benign by multiple in silico algorithms, and/or has population frequency not consistent with disease.